The following is an entry in ClinVar:

NM_001999.4(FBN2):c.5921_5922delinsCG (p.Ile1974Thr)

Gene: FBN2 (fibrillin 2; minus strand). Cytogenetic location: 5q23.3.
Variant type: Indel.
Coding change: c.5921_5922delinsCG on transcript NM_001999.4 (MANE Select); coding-DNA positions 5921 to 5922, TA replaced by CG.
Protein change: p.Ile1974Thr; replaces isoleucine 1974 with threonine.
Molecular consequence: missense variant.
Genome position (GRCh38, 1-based): chr5:128,301,506-128,301,507, TA replaced by CG on the plus strand (TA replaced by CG on the coding strand, the reverse complement: FBN2 is on the minus strand). VCF-style: chr5-128301506-TA-CG. GRCh37 (hg19) VCF-style: chr5-127637198-TA-CG.
Other names: c.5921_5922delinsCG (NM_001999.3); short protein forms I1974T.
Identifiers: ClinVar variation 1042392 (VCV001042392.8), dbSNP rs1749718755, ClinGen allele CA1581253768.
Genomic context (GRCh38, chr5:128,301,506, plus strand): 5'-AATTTCATTAAAACAACGTCCATTTCTGCACACCTGACCAAAAAAGGAACTGCACTCATC[TA>CG]TGTCTGTAAGCAAACAGGAGTATGTTTTTCAGAAAGAGCTCTTAACATGTATATTGTTTC-3'
Protein context (NP_001990.2, residues 1964-1984): ELTHNNDCLD[Ile1974Thr]DECSSFFGQV

ClinVar aggregate classification (germline): Uncertain significance. Review status: criteria provided, multiple submitters, no conflicts (2 of 4 stars). 2 submissions from 2 submitters: Uncertain significance (2). Last evaluated 2025-02-02.

Conditions:
Congenital contractural arachnodactyly (CCA). Also called: Beals-Hecht syndrome; BEALS SYNDROME; Arthrogryposis, distal, type 9. Identifiers: Orphanet 115, MedGen C0220668, MONDO:0007363, OMIM 121050.
FBN2-related disorder. Also called: FBN2-related condition.

Submissions (2):

PreventionGenetics, part of Exact Sciences
Classification: Uncertain significance for FBN2-related condition. Last evaluated: 2025-02-02. Review status: criteria provided, single submitter. Criteria: ACMG Guidelines, 2015. Collection method: clinical testing. Allele origin: germline.
Comment: The FBN2 c.5921_5922delinsCG variant is predicted to result in an in-frame deletion and insertion. To our knowledge, this variant has not been reported in the literature or in a large population database (gnomAD), indicating this variant is rare. At this time, the clinical significance of this variant is uncertain due to the absence of conclusive functional and genetic evidence.

Labcorp Genetics (formerly Invitae), Labcorp
Classification: Uncertain significance for Congenital contractural arachnodactyly. Last evaluated: 2020-01-21. Review status: criteria provided, single submitter. Criteria: Invitae Variant Classification Sherloc (09022015). Collection method: clinical testing. Allele origin: germline.
Comment: In summary, the available evidence is currently insufficient to determine the role of this variant in disease. Therefore, it has been classified as a Variant of Uncertain Significance. Algorithms developed to predict the effect of missense changes on protein structure and function are either unavailable or do not agree on the potential impact of this missense change (SIFT: "Not Available"; PolyPhen-2: "Benign"; Align-GVGD: "Not Available"). This variant has not been reported in the literature in individuals with FBN2-related conditions. This variant is not present in population databases (ExAC no frequency). This sequence change replaces isoleucine with threonine at codon 1974 of the FBN2 protein (p.Ile1974Thr). The isoleucine residue is highly conserved and there is a moderate physicochemical difference between isoleucine and threonine.